The following is an entry in ClinVar:

NM_022114.4(PRDM16):c.2386G>A (p.Ala796Thr)

Gene: PRDM16 (PR/SET domain 16; plus strand). Cytogenetic location: 1p36.32.
Variant type: single nucleotide variant.
Coding change: c.2386G>A on transcript NM_022114.4 (MANE Select); coding-DNA position 2386, G replaced by A.
Protein change: p.Ala796Thr; replaces alanine 796 with threonine.
Molecular consequence: missense variant.
Genome position (GRCh38, 1-based): chr1:3,412,583, G>A. VCF-style: chr1-3412583-G-A. GRCh37 (hg19) VCF-style: chr1-3329147-G-A.
Other names: c.2386G>A, p.Ala796Thr (NM_199454.3); short protein forms A796T.
Identifiers: ClinVar variation 424068 (VCV000424068.11), dbSNP rs367879720, ClinGen allele CA544460.

ClinVar aggregate classification (germline): Uncertain significance. Review status: criteria provided, multiple submitters, no conflicts (2 of 4 stars). 3 submissions from 3 submitters: Uncertain significance (3). Last evaluated 2025-09-28.

Conditions:
Left ventricular noncompaction 8 (LVNC8). Identifiers: Orphanet 154, Orphanet 54260, MedGen C3809288, MONDO:0014152, OMIM 615373.
Inborn genetic diseases. Identifiers: MedGen C0950123, MeSH D030342.

Allele frequency attached by ClinVar (database versions not stated): gnomAD exomes 0.00002 and 0.00003; TOPMed 0.00007; gnomAD 0.00011; ESP Exome Variant Server 0.00017; ExAC 0.00001.
gnomAD v4.1: 45 of 1,605,336 alleles (0.0028%); highest among the groups gnomAD compares: Middle Eastern, 0.066%; no homozygotes.

Submissions (3):

Ambry Genetics
Classification: Uncertain significance for Inborn genetic diseases. Last evaluated: 2025-09-28. Review status: criteria provided, single submitter. Criteria: Ambry Variant Classification Scheme 2023. Collection method: clinical testing. Allele origin: germline.

Labcorp Genetics (formerly Invitae), Labcorp
Classification: Uncertain significance for Left ventricular noncompaction 8. Last evaluated: 2025-07-31. Review status: criteria provided, single submitter. Criteria: Invitae Variant Classification Sherloc (09022015). Collection method: clinical testing. Allele origin: germline.
Comment: This sequence change replaces alanine, which is neutral and non-polar, with threonine, which is neutral and polar, at codon 796 of the PRDM16 protein (p.Ala796Thr). This variant is present in population databases (rs367879720, gnomAD 0.02%). This variant has not been reported in the literature in individuals affected with PRDM16-related conditions. ClinVar contains an entry for this variant (Variation ID: 424068). An algorithm developed to predict the effect of missense changes on protein structure and function outputs the following: PolyPhen-2: "Benign". The threonine amino acid residue is found in multiple mammalian species, which suggests that this missense change does not adversely affect protein function. In summary, the available evidence is currently insufficient to determine the role of this variant in disease. Therefore, it has been classified as a Variant of Uncertain Significance.

GeneDx
Classification: Uncertain significance. Last evaluated: 2018-11-08. Review status: criteria provided, single submitter. Criteria: GeneDx Variant Classification (06012015). Collection method: clinical testing. Allele origin: germline. Affected: yes.
Comment: The A796T variant of uncertain significance in the PRDM16 gene has not been published as pathogenic or been reported as benign to our knowledge. This variant is observed in 10/259,668 (0.004%) alleles globally, including 5/21,980 (0.023%) African alleles in large population cohorts (Lek et al., 2016). The A796T variant is a non-conservative amino acid substitution, which is likely to impact secondary protein structure as these residues differ in polarity, charge, size and/or other properties. Nevertheless, in-silico analyses, including protein predictors and evolutionary conservation, support that this variant does not alter protein structure/function.Therefore, based on the currently available information, it is unclear whether this variant is pathogenic or rare benign.